The following is an entry in ClinVar:

NM_001130438.3(SPTAN1):c.1461+14A>C

Gene: SPTAN1 (spectrin alpha, non-erythrocytic 1; plus strand). Cytogenetic location: 9q34.11.
Variant type: single nucleotide variant.
Coding change: c.1461+14A>C on transcript NM_001130438.3 (MANE Select); 14 bases into the intron after coding-DNA position 1461, A replaced by C.
Molecular consequence: intron variant.
Genome position (GRCh38, 1-based): chr9:128,581,073, A>C. VCF-style: chr9-128581073-A-C. GRCh37 (hg19) VCF-style: chr9-131343352-A-C.
Other names: c.1461+14A>C (NM_001363759.2, NM_003127.4, NM_001363765.2 and 1 more transcripts).
Identifiers: ClinVar variation 139270 (VCV000139270.10), dbSNP rs376751145, ClinGen allele CA293714.

ClinVar aggregate classification (germline): Benign/Likely benign. Review status: criteria provided, multiple submitters, no conflicts (2 of 4 stars). 2 submissions from 2 submitters: Benign (1); Likely benign (1). Last evaluated 2026-01-01.

Conditions:
Early-infantile DEE. Also called: Early infantile epileptic encephalopathy with suppression bursts; Ohtahara syndrome; Early infantile epileptic encephalopathy. Identifiers: Orphanet 1934, MedGen C0393706, MONDO:0800491.

Allele frequency attached by ClinVar (database versions not stated): gnomAD 0.00002 and 0.00007; gnomAD exomes 0.00002 and 0.00010; TOPMed 0.00004; ExAC 0.00009; 1000 Genomes Project 30x 0.00125; 1000 Genomes Project 0.00140.
gnomAD v4.1: 55 of 1,613,826 alleles (0.0034%); highest among the groups gnomAD compares: East Asian, 0.085%; 1 homozygote.

Submissions (2):

Labcorp Genetics (formerly Invitae), Labcorp
Classification: Likely benign for Early-infantile DEE. Last evaluated: 2026-01-01. Review status: criteria provided, single submitter. Criteria: Invitae Variant Classification Sherloc (09022015). Collection method: clinical testing. Allele origin: germline.

GeneDx
Classification: Benign. Last evaluated: 2013-08-02. Review status: criteria provided, single submitter. Criteria: GeneDx Variant Classification (06012015). Collection method: clinical testing. Allele origin: germline. Affected: yes.
Comment: This variant is considered likely benign or benign based on one or more of the following criteria: it is a conservative change, it occurs at a poorly conserved position in the protein, it is predicted to be benign by multiple in silico algorithms, and/or has population frequency not consistent with disease.